The following is an entry in ClinVar:

ClinVar aggregate classification (germline): Pathogenic. Review status: criteria provided, multiple submitters, no conflicts (2 of 4 stars). 3 submissions from 3 submitters: Pathogenic (2). 1 of the submissions does not count toward it. Last evaluated 2026-01-18.

Conditions:
Biotinidase deficiency. Also called: BTD deficiency; Late-onset biotin-responsive multiple carboxylase deficiency; Biotin deficiency. Identifiers: Orphanet 79241, MedGen C0220754, MONDO:0009665, OMIM 253260.

Submissions (3):

Labcorp Genetics (formerly Invitae), Labcorp
Classification: Pathogenic for Biotinidase deficiency. Last evaluated: 2026-01-18. Review status: criteria provided, single submitter. Criteria: Invitae Variant Classification Sherloc (09022015). Collection method: clinical testing. Allele origin: germline.
Comment: This sequence change creates a premature translational stop signal (p.Thr196Lysfs*68) in the BTD gene. While this is not anticipated to result in nonsense mediated decay, it is expected to disrupt the last 348 amino acid(s) of the BTD protein. This variant is not present in population databases (gnomAD no frequency). This premature translational stop signal has been observed in individual(s) with biotinidase deficiency (PMID: 22698809). ClinVar contains an entry for this variant (Variation ID: 528478). This variant disrupts a region of the BTD protein in which other variant(s) (p.Leu498Phefs*13) have been determined to be pathogenic (PMID: 17382128, 19728141, 29359854). This suggests that this is a clinically significant region of the protein, and that variants that disrupt it are likely to be disease-causing. For these reasons, this variant has been classified as Pathogenic.

Baylor Genetics
Classification: Pathogenic for Biotinidase deficiency. Last evaluated: 2023-08-21. Review status: criteria provided, single submitter. Criteria: ACMG Guidelines, 2015. Collection method: clinical testing. Allele origin: unknown.

Counsyl
Classification: Likely pathogenic for Biotinidase deficiency. Last evaluated: 2017-04-25. Review status: no assertion criteria provided. Collection method: clinical testing. Allele origin: unknown. Not counted in ClinVar's aggregate classification.

Literature cited by the submitters: PubMed 22698809 (cited by Labcorp Genetics (formerly Invitae), Labcorp and Counsyl); PubMed 17382128 (cited by Labcorp Genetics (formerly Invitae), Labcorp); PubMed 19728141 (cited by Labcorp Genetics (formerly Invitae), Labcorp); PubMed 29359854 (cited by Labcorp Genetics (formerly Invitae), Labcorp).

NM_001370658.1(BTD):c.527del (p.Thr176fs)

Gene: BTD (biotinidase; plus strand). Cytogenetic location: 3p25.1.
Variant type: Deletion.
Coding change: c.527del on transcript NM_001370658.1 (MANE Select); coding-DNA position 527, one base deleted (C; older notation c.527delC).
Protein change: p.Thr176fs; shifts the reading frame from threonine 176.
Molecular consequence: frameshift variant. On other transcripts: intron variant (6).
Genome position (GRCh38, 1-based): chr3:15,644,443, C deleted. VCF-style (leftmost placement, unchanged base first): chr3-15644442-AC-A. GRCh37 (hg19) VCF-style: chr3-15685949-AC-A.
Other names: c.399+2386del (NM_001407399.1, NM_001370753.1, NM_001407400.1 and 3 more transcripts); c.527del, p.Thr176fs (NM_001407374.1, NM_001407375.1, NM_001407376.1 and 18 more transcripts); c.587del (NM_000060.4); short protein forms T176fs.
Identifiers: ClinVar variation 528478 (VCV000528478.12), dbSNP rs1553653680, ClinGen allele CA658796245.